The following is an entry in ClinVar:

ClinVar aggregate classification (germline): Benign. Review status: criteria provided, multiple submitters, no conflicts (2 of 4 stars). 2 submissions from 2 submitters: Benign (2). Last evaluated 2018-06-16.

Allele frequency attached by ClinVar (database versions not stated): gnomAD 0.05934 and 0.06208; TOPMed 0.05975; gnomAD exomes 0.07264; 1000 Genomes Project 30x 0.07683; 1000 Genomes Project 0.07768.
gnomAD v4.1: 88,288 of 1,236,836 alleles (7.1%); highest among the groups gnomAD compares: East Asian, 16%; 3,622 homozygotes.

Submissions (2):

GeneDx
Classification: Benign. Last evaluated: 2018-06-16. Review status: criteria provided, single submitter. Criteria: GeneDx Variant Classification (06012015). Collection method: clinical testing. Allele origin: germline. Affected: yes.
Comment: This variant is considered likely benign or benign based on one or more of the following criteria: it is a conservative change, it occurs at a poorly conserved position in the protein, it is predicted to be benign by multiple in silico algorithms, and/or has population frequency not consistent with disease.

Breakthrough Genomics
Classification: Benign. Review status: criteria provided, single submitter. Criteria: ACMG Guidelines, 2015. Collection method: not provided. Allele origin: germline. Inheritance: Autosomal dominant inheritance. Affected: yes.

NM_005445.4(SMC3):c.2117-84G>A

Gene: SMC3 (structural maintenance of chromosomes 3; plus strand). Cytogenetic location: 10q25.2.
Variant type: single nucleotide variant.
Coding change: c.2117-84G>A on transcript NM_005445.4 (MANE Select); 84 bases into the intron before coding-DNA position 2117, G replaced by A.
Molecular consequence: intron variant.
Genome position (GRCh38, 1-based): chr10:110,598,055, G>A. VCF-style: chr10-110598055-G-A. GRCh37 (hg19) VCF-style: chr10-112357813-G-A.
Identifiers: ClinVar variation 675005 (VCV000675005.2), dbSNP rs11195210, ClinGen allele CA13251975.